The following is an entry in ClinVar:

NM_000143.4(FH):c.990T>C (p.Thr330=)

Gene: FH (fumarate hydratase; minus strand). Cytogenetic location: 1q43.
Variant type: single nucleotide variant.
Coding change: c.990T>C on transcript NM_000143.4 (MANE Select); coding-DNA position 990, T replaced by C.
Protein change: p.Thr330=; no amino-acid change (threonine 330 retained).
Molecular consequence: synonymous variant.
Genome position (GRCh38, 1-based): chr1:241,504,160, A>G on the plus strand (T>C on the coding strand, the complement: FH is on the minus strand). VCF-style: chr1-241504160-A-G. GRCh37 (hg19) VCF-style: chr1-241667460-A-G.
Identifiers: ClinVar variation 3230468 (VCV003230468.2), dbSNP rs1659853439, ClinGen allele CA424075810.
Genomic context (GRCh38, chr1:241,504,160, plus strand): 5'-CCGAGGACCAGAACCCAAAAATCGAATATCATTTGCTATCTTCATCAGACTGCAGGCAGT[A>G]GTGTTCATGGCTCCACTGAGCTCAACCAGAGCGTCATGAGCAGCCAGAGCTTCAAATTTA-3'
Protein context (NP_000134.2, residues 320-340): ALVELSGAMN[Thr330=]TACSLMKIAN

ClinVar aggregate classification (germline): Benign/Likely benign. Review status: criteria provided, multiple submitters, no conflicts (2 of 4 stars). 2 submissions from 2 submitters: Benign (1); Likely benign (1). Last evaluated 2024-10-18.

Conditions:
Hereditary cancer-predisposing syndrome. Also called: Neoplastic Syndromes, Hereditary; Tumor predisposition; Hereditary Cancer Syndrome; Hereditary neoplastic syndrome. Identifiers: Orphanet 140162, MedGen C0027672, MeSH D009386, MONDO:0015356.
Hereditary leiomyomatosis and renal cell cancer. Also called: MULTIPLE CUTANEOUS AND UTERINE LEIOMYOMATA 1, WITH OR WITHOUT RENAL CELL CARCINOMA; LEIOMYOMA, MULTIPLE CUTANEOUS; Reed syndrome; Multiple cutaneous and uterine leiomyomatosis; Cutaneous leiomyomata with uterine leiomyomata; Leiomyoma, hereditary multiple, of skin. Identifiers: Orphanet 523, MedGen C1708350, MONDO:0007888, OMIM 150800, HP:0007437. Disease mechanism: loss of function.

Submissions (2):

Myriad Genetics, Inc.
Classification: Benign for Hereditary leiomyomatosis and renal cell cancer. Last evaluated: 2024-10-18. Review status: criteria provided, single submitter. Criteria: Myriad Autosomal Dominant, Autosomal Recessive and X-Linked Classification Criteria (2023). Collection method: clinical testing. Allele origin: unknown.
Comment: This variant is considered benign. This variant is a silent/synonymous amino acid change and it is not expected to impact splicing.

Ambry Genetics
Classification: Likely benign for Hereditary cancer-predisposing syndrome. Last evaluated: 2023-11-06. Review status: criteria provided, single submitter. Criteria: Ambry Variant Classification Scheme 2023. Collection method: clinical testing. Allele origin: germline.